The following is an entry in ClinVar:

ClinVar aggregate classification (germline): Uncertain significance. Review status: criteria provided, multiple submitters, no conflicts (2 of 4 stars). 2 submissions from 2 submitters: Uncertain significance (2). Last evaluated 2025-09-25.

Conditions:
Inborn genetic diseases. Identifiers: MedGen C0950123, MeSH D030342.

Allele frequency attached by ClinVar (database versions not stated): TOPMed 0.00001.

Submissions (2):

Ambry Genetics
Classification: Uncertain significance for Inborn genetic diseases. Last evaluated: 2025-09-25. Review status: criteria provided, single submitter. Criteria: Ambry Variant Classification Scheme 2023. Collection method: clinical testing. Allele origin: germline.

Mayo Clinic Laboratories, Mayo Clinic
Classification: Uncertain significance. Last evaluated: 2022-09-22. Review status: criteria provided, single submitter. Criteria: ACMG Guidelines, 2015. Collection method: clinical testing. Allele origin: germline. Observed: 1 variant allele.
Comment: PM2

NM_014043.4(CHMP2B):c.91G>A (p.Asp31Asn)

Gene: CHMP2B (charged multivesicular body protein 2B; plus strand). Cytogenetic location: 3p11.2.
Variant type: single nucleotide variant.
Coding change: c.91G>A on transcript NM_014043.4 (MANE Select); coding-DNA position 91, G replaced by A.
Protein change: p.Asp31Asn; replaces aspartic acid 31 with asparagine.
Molecular consequence: missense variant. On other transcripts: intron variant (1).
Genome position (GRCh38, 1-based): chr3:87,240,755, G>A. VCF-style: chr3-87240755-G-A. GRCh37 (hg19) VCF-style: chr3-87289905-G-A.
Other names: p.Asp31Asn; c.187G>A, p.Asp63Asn (NM_001410777.1); c.4-4959G>A (NM_001244644.2); short protein forms D31N, D63N.
Identifiers: ClinVar variation 2682836 (VCV002682836.2), dbSNP rs959678900, ClinGen allele CA79034425.
Genomic context (GRCh38, chr3:87,240,755, plus strand): 5'-CTAGATGTAATAAAGGAACAGAATCGAGAGTTACGAGGTACACAGAGGGCTATAATCAGA[G>A]ATCGAGCAGCTTTAGAGAAACAAGAAAAACAGCTGGTAAGTAGAACGTTAAATTTCAGTT-3'
Protein context (NP_054762.2, residues 21-41): LRGTQRAIIR[Asp31Asn]RAALEKQEKQ